The following is an entry in ClinVar:

NM_002796.3(PSMB4):c.640G>C (p.Val214Leu)

Gene: PSMB4 (proteasome 20S subunit beta 4; plus strand). Cytogenetic location: 1q21.3.
Variant type: single nucleotide variant.
Coding change: c.640G>C on transcript NM_002796.3 (MANE Select); coding-DNA position 640, G replaced by C.
Protein change: p.Val214Leu; replaces valine 214 with leucine.
Molecular consequence: missense variant.
Genome position (GRCh38, 1-based): chr1:151,401,302, G>C. VCF-style: chr1-151401302-G-C. GRCh37 (hg19) VCF-style: chr1-151373778-G-C.
Other names: c.640G>C (NM_002796.2); short protein forms V214L.
Identifiers: ClinVar variation 3700087 (VCV003700087.3).

ClinVar aggregate classification (germline): Uncertain significance. Review status: criteria provided, multiple submitters, no conflicts (2 of 4 stars). 2 submissions from 2 submitters: Uncertain significance (2). Last evaluated 2025-11-04.

Submissions (2):

Ambry Genetics
Classification: Uncertain significance. Last evaluated: 2025-11-04. Review status: criteria provided, single submitter. Criteria: Ambry Variant Classification Scheme 2023. Collection method: clinical testing. Allele origin: germline.

Labcorp Genetics (formerly Invitae), Labcorp
Classification: Uncertain significance. Last evaluated: 2024-09-15. Review status: criteria provided, single submitter. Criteria: Invitae Variant Classification Sherloc (09022015). Collection method: clinical testing. Allele origin: germline.
Comment: This sequence change replaces valine, which is neutral and non-polar, with leucine, which is neutral and non-polar, at codon 214 of the PSMB4 protein (p.Val214Leu). This variant is present in population databases (rs762721519, gnomAD 0.007%). This variant has not been reported in the literature in individuals affected with PSMB4-related conditions. An algorithm developed to predict the effect of missense changes on protein structure and function (PolyPhen-2) suggests that this variant is likely to be tolerated. In summary, the available evidence is currently insufficient to determine the role of this variant in disease. Therefore, it has been classified as a Variant of Uncertain Significance.